The following is an entry in ClinVar:

ClinVar aggregate classification (germline): Uncertain significance (1 of 4 stars; one submission).

Conditions:
Dyskeratosis congenita, autosomal dominant 6 (DKCA6). Identifiers: Orphanet 3322, MedGen C4225284, MONDO:0014690, OMIM 616553.

Allele frequency attached by ClinVar (database versions not stated): gnomAD exomes below 0.00001; TOPMed below 0.00001; gnomAD 0.00001.

Submission:

Labcorp Genetics (formerly Invitae), Labcorp
Classification: Uncertain significance for Dyskeratosis congenita, autosomal dominant 6. Last evaluated: 2023-11-29. Review status: criteria provided, single submitter. Criteria: Invitae Variant Classification Sherloc (09022015). Collection method: clinical testing. Allele origin: germline.
Comment: This sequence change creates a premature translational stop signal (p.Ser435Tyrfs*14) in the ACD gene. It is expected to result in an absent or disrupted protein product. However, the current clinical and genetic evidence is not sufficient to establish whether loss-of-function variants in ACD cause disease. This variant is not present in population databases (gnomAD no frequency). This variant has not been reported in the literature in individuals affected with ACD-related conditions. ClinVar contains an entry for this variant (Variation ID: 1398662). In summary, the available evidence is currently insufficient to determine the role of this variant in disease. Therefore, it has been classified as a Variant of Uncertain Significance.

NM_001082486.2(ACD):c.1046del (p.Ser349fs)

Gene: ACD (ACD shelterin complex subunit and telomerase recruitment factor; minus strand). Cytogenetic location: 16q22.1.
Variant type: Deletion.
Coding change: c.1046del on transcript NM_001082486.2 (MANE Select); coding-DNA position 1046, one base deleted (C; older notation c.1046delC).
Protein change: p.Ser349fs; shifts the reading frame from serine 349.
Molecular consequence: frameshift variant.
Genome position (GRCh38, 1-based): chr16:67,658,146, G deleted on the plus strand (C on the coding strand, the reverse complement: ACD is on the minus strand). VCF-style (leftmost placement, unchanged base first): chr16-67658145-TG-T. GRCh37 (hg19) VCF-style: chr16-67692048-TG-T.
Other names: c.1037del, p.Ser346fs (NM_022914.3); short protein forms S346fs, S349fs.
Identifiers: ClinVar variation 1398662 (VCV001398662.6), dbSNP rs1291433639, ClinGen allele CA723055890.